The following is an entry in ClinVar:

NM_016616.5(NME8):c.692G>A (p.Ser231Asn)

Gene: NME8 (NME/NM23 family member 8; plus strand). Cytogenetic location: 7p14.1.
Variant type: single nucleotide variant.
Coding change: c.692G>A on transcript NM_016616.5 (MANE Select); coding-DNA position 692, G replaced by A.
Protein change: p.Ser231Asn; replaces serine 231 with asparagine.
Molecular consequence: missense variant.
Genome position (GRCh38, 1-based): chr7:37,867,772, G>A. VCF-style: chr7-37867772-G-A. GRCh37 (hg19) VCF-style: chr7-37907374-G-A.
Other names: short protein forms S231N.
Identifiers: ClinVar variation 2716018 (VCV002716018.3), dbSNP rs371890607, ClinGen allele CA4222305.

ClinVar aggregate classification (germline): Uncertain significance (1 of 4 stars; one submission).

Conditions:
Primary ciliary dyskinesia 6. Also called: Primary Ciliary Dyskinesia 6: TXNDC3-Related Primary Ciliary Dyskinesia. Identifiers: Orphanet 244, MedGen C1970506, MONDO:0012571, OMIM 610852.

Allele frequency attached by ClinVar (database versions not stated): ExAC 0.00001; ESP Exome Variant Server 0.00008.
gnomAD v4.1: 27 of 1,613,678 alleles (0.0017%); highest among the groups gnomAD compares: African/African-American, 0.025%; no homozygotes.

Submission:

Labcorp Genetics (formerly Invitae), Labcorp
Classification: Uncertain significance for Primary ciliary dyskinesia 6. Last evaluated: 2024-10-25. Review status: criteria provided, single submitter. Criteria: Invitae Variant Classification Sherloc (09022015). Collection method: clinical testing. Allele origin: germline.
Comment: This sequence change replaces serine, which is neutral and polar, with asparagine, which is neutral and polar, at codon 231 of the NME8 protein (p.Ser231Asn). This variant is present in population databases (rs371890607, gnomAD 0.02%). This variant has not been reported in the literature in individuals affected with NME8-related conditions. Invitae Evidence Modeling of protein sequence and biophysical properties (such as structural, functional, and spatial information, amino acid conservation, physicochemical variation, residue mobility, and thermodynamic stability) indicates that this missense variant is not expected to disrupt NME8 protein function with a negative predictive value of 80%. In summary, the available evidence is currently insufficient to determine the role of this variant in disease. Therefore, it has been classified as a Variant of Uncertain Significance.